The following is an entry in ClinVar:

ClinVar aggregate classification (germline): Uncertain significance (1 of 4 stars; one submission).

Submission:

Labcorp Genetics (formerly Invitae), Labcorp
Classification: Uncertain significance. Last evaluated: 2025-05-18. Review status: criteria provided, single submitter. Criteria: Invitae Variant Classification Sherloc (09022015). Collection method: clinical testing. Allele origin: germline.
Comment: This sequence change replaces serine, which is neutral and polar, with arginine, which is basic and polar, at codon 70 of the KMT2A protein (p.Ser70Arg). This variant is not present in population databases (gnomAD no frequency). This variant has not been reported in the literature in individuals affected with KMT2A-related conditions. ClinVar contains an entry for this variant (Variation ID: 3678387). Invitae Evidence Modeling of protein sequence and biophysical properties (such as structural, functional, and spatial information, amino acid conservation, physicochemical variation, residue mobility, and thermodynamic stability) has been performed for this missense variant. However, the output from this modeling did not meet the statistical confidence thresholds required to predict the impact of this variant on KMT2A protein function. In summary, the available evidence is currently insufficient to determine the role of this variant in disease. Therefore, it has been classified as a Variant of Uncertain Significance.

NM_001197104.2(KMT2A):c.210C>G (p.Ser70Arg)

Gene: KMT2A (lysine methyltransferase 2A; plus strand). Cytogenetic location: 11q23.3.
Variant type: single nucleotide variant.
Coding change: c.210C>G on transcript NM_001197104.2 (MANE Select); coding-DNA position 210, C replaced by G.
Protein change: p.Ser70Arg; replaces serine 70 with arginine.
Molecular consequence: missense variant.
Genome position (GRCh38, 1-based): chr11:118,436,722, C>G. VCF-style: chr11-118436722-C-G. GRCh37 (hg19) VCF-style: chr11-118307437-C-G.
Other names: c.210C>G, p.Ser70Arg (NM_001412597.1, NM_005933.4); short protein forms S70R.
Identifiers: ClinVar variation 3678387 (VCV003678387.2).
Genomic context (GRCh38, chr11:118,436,722, plus strand): 5'-CCCCGGGGCGCCCCCCTCCCCCCCGGCTGTGGCGGCCGCGGCGGCGGCGGCGGGAAGCAG[C>G]GGGGCTGGGGTTCCAGGGGGAGCGGCCGCCGCCTCAGCAGCCTCCTCGTCGTCCGCCTCG-3'
Protein context (NP_001184033.1, residues 60-80): VAAAAAAAGS[Ser70Arg]GAGVPGGAAA